The following is an entry in ClinVar:

ClinVar aggregate classification (germline): Uncertain significance (1 of 4 stars; one submission).

Conditions:
Nemaline myopathy 2 (NEM2). Also called: Nemaline myopathy 2, autosomal recessive. Identifiers: MedGen C1850569, MONDO:0009725, OMIM 256030.

Allele frequency attached by ClinVar (database versions not stated): gnomAD exomes below 0.00001.
gnomAD v4.1: 1 of 1,613,922 alleles (0.000062%); highest among the groups gnomAD compares: Admixed American, 0.0017%; no homozygotes.

Submission:

Labcorp Genetics (formerly Invitae), Labcorp
Classification: Uncertain significance for Nemaline myopathy 2. Last evaluated: 2022-05-22. Review status: criteria provided, single submitter. Criteria: Invitae Variant Classification Sherloc (09022015). Collection method: clinical testing. Allele origin: germline.
Comment: This sequence change replaces histidine, which is basic and polar, with tyrosine, which is neutral and polar, at codon 3308 of the NEB protein (p.His3308Tyr). This variant is present in population databases (no rsID available, gnomAD 0.003%). This variant has not been reported in the literature in individuals affected with NEB-related conditions. ClinVar contains an entry for this variant (Variation ID: 964538). Algorithms developed to predict the effect of missense changes on protein structure and function are either unavailable or do not agree on the potential impact of this missense change (SIFT: "Deleterious"; PolyPhen-2: "Not Available"; Align-GVGD: "Class C0"). Algorithms developed to predict the effect of sequence changes on RNA splicing suggest that this variant may create or strengthen a splice site. In summary, the available evidence is currently insufficient to determine the role of this variant in disease. Therefore, it has been classified as a Variant of Uncertain Significance.

NM_001164508.2(NEB):c.9922C>T (p.His3308Tyr)

Gene: NEB (nebulin; minus strand). Cytogenetic location: 2q23.3.
Variant type: single nucleotide variant.
Coding change: c.9922C>T on transcript NM_001164508.2 (MANE Select); coding-DNA position 9922, C replaced by T.
Protein change: p.His3308Tyr; replaces histidine 3308 with tyrosine.
Molecular consequence: missense variant.
Genome position (GRCh38, 1-based): chr2:151,627,744, G>A on the plus strand (C>T on the coding strand, the complement: NEB is on the minus strand). VCF-style: chr2-151627744-G-A. GRCh37 (hg19) VCF-style: chr2-152484258-G-A.
Other names: c.9922C>T, p.His3308Tyr (NM_001164507.2, NM_001271208.2); c.9193C>T, p.His3065Tyr (NM_004543.5); short protein forms H3065Y, H3308Y.
Identifiers: ClinVar variation 964538 (VCV000964538.7), dbSNP rs1369787156, ClinGen allele CA348795916.